The following is an entry in ClinVar:

ClinVar aggregate classification (germline): Likely benign. Review status: criteria provided, multiple submitters, no conflicts (2 of 4 stars). 2 submissions from 2 submitters: Likely benign (2). Last evaluated 2025-12-03.

Conditions:
Early-infantile DEE. Also called: Ohtahara syndrome; Early infantile epileptic encephalopathy with suppression bursts; Early infantile epileptic encephalopathy. Identifiers: Orphanet 1934, MedGen C0393706, MONDO:0800491.

Allele frequency attached by ClinVar (database versions not stated): TOPMed 0.00003; ExAC 0.00005; ESP Exome Variant Server 0.00015.
gnomAD v4.1: 36 of 1,542,770 alleles (0.0023%); highest among the groups gnomAD compares: East Asian, 0.0048%; no homozygotes.

Submissions (2):

Labcorp Genetics (formerly Invitae), Labcorp
Classification: Likely benign for Early-infantile DEE. Last evaluated: 2025-12-03. Review status: criteria provided, single submitter. Criteria: Invitae Variant Classification Sherloc (09022015). Collection method: clinical testing. Allele origin: germline.

GeneDx
Classification: Likely benign. Last evaluated: 2016-07-26. Review status: criteria provided, single submitter. Criteria: GeneDx Variant Classification (06012015). Collection method: clinical testing. Allele origin: germline. Affected: yes.
Comment: This variant is considered likely benign or benign based on one or more of the following criteria: it is a conservative change, it occurs at a poorly conserved position in the protein, it is predicted to be benign by multiple in silico algorithms, and/or has population frequency not consistent with disease.

NM_172107.4(KCNQ2):c.690+9C>T

Gene: KCNQ2 (potassium voltage-gated channel subfamily Q member 2; minus strand). Cytogenetic location: 20q13.33.
Variant type: single nucleotide variant.
Coding change: c.690+9C>T on transcript NM_172107.4 (MANE Select); 9 bases into the intron after coding-DNA position 690, C replaced by T.
Molecular consequence: intron variant.
Genome position (GRCh38, 1-based): chr20:63,444,650, G>A on the plus strand (C>T on the coding strand, the complement: KCNQ2 is on the minus strand). VCF-style: chr20-63444650-G-A. GRCh37 (hg19) VCF-style: chr20-62076003-G-A.
Other names: c.690+9C>T (NM_004518.6, NM_172108.5, NM_172106.3 and 1 more transcripts).
Identifiers: ClinVar variation 378022 (VCV000378022.9), dbSNP rs369881492, ClinGen allele CA9958768.